The following is an entry in ClinVar:

NM_016138.5(COQ7):c.292A>G (p.Asn98Asp)

Gene: COQ7 (coenzyme Q7, hydroxylase; plus strand). Cytogenetic location: 16p12.3.
Variant type: single nucleotide variant.
Coding change: c.292A>G on transcript NM_016138.5 (MANE Select); coding-DNA position 292, A replaced by G.
Protein change: p.Asn98Asp; replaces asparagine 98 with aspartic acid.
Molecular consequence: missense variant. On other transcripts: non-coding transcript variant (2).
Genome position (GRCh38, 1-based): chr16:19,073,960, A>G. VCF-style: chr16-19073960-A-G. GRCh37 (hg19) VCF-style: chr16-19085282-A-G.
Other names: c.178A>G, p.Asn60Asp (NM_001190983.2, NM_001370492.1, NM_001370493.1 and 2 more transcripts); c.250A>G, p.Asn84Asp (NM_001370489.1, NM_001370491.1); c.292A>G, p.Asn98Asp (NM_001370490.1); short protein forms N98D, N60D, N84D.
Identifiers: ClinVar variation 1917364 (VCV001917364.5), dbSNP rs1368130266, ClinGen allele CA394920285.

ClinVar aggregate classification (germline): Uncertain significance (1 of 4 stars; one submission).

Allele frequency attached by ClinVar (database versions not stated): gnomAD exomes below 0.00001.
gnomAD v4.1: 1 of 1,613,828 alleles (0.000062%); highest among the groups gnomAD compares: Non-Finnish European, 0.000085%; no homozygotes.

Submission:

Labcorp Genetics (formerly Invitae), Labcorp
Classification: Uncertain significance. Last evaluated: 2023-04-24. Review status: criteria provided, single submitter. Criteria: Invitae Variant Classification Sherloc (09022015). Collection method: clinical testing. Allele origin: germline.
Comment: In summary, the available evidence is currently insufficient to determine the role of this variant in disease. Therefore, it has been classified as a Variant of Uncertain Significance. An algorithm developed to predict the effect of missense changes on protein structure and function (PolyPhen-2) suggests that this variant is likely to be tolerated. ClinVar contains an entry for this variant (Variation ID: 1917364). This variant has not been reported in the literature in individuals affected with COQ7-related conditions. This variant is present in population databases (no rsID available, gnomAD 0.0009%). This sequence change replaces asparagine, which is neutral and polar, with aspartic acid, which is acidic and polar, at codon 98 of the COQ7 protein (p.Asn98Asp).